The following is an entry in ClinVar:

ClinVar aggregate classification (germline): Uncertain significance (1 of 4 stars; one submission).

Submission:

Labcorp Genetics (formerly Invitae), Labcorp
Classification: Uncertain significance. Last evaluated: 2024-11-11. Review status: criteria provided, single submitter. Criteria: Invitae Variant Classification Sherloc (09022015). Collection method: clinical testing. Allele origin: germline.
Comment: This sequence change replaces glycine, which is neutral and non-polar, with leucine, which is neutral and non-polar, at codon 188 of the IREB2 protein (p.Gly188Leu). Information on the frequency of this variant in the gnomAD database is not available, as this variant may be reported differently in the database. This variant has not been reported in the literature in individuals affected with IREB2-related conditions. ClinVar contains an entry for this variant (Variation ID: 2105428). An algorithm developed to predict the effect of missense changes on protein structure and function (PolyPhen-2) suggests that this variant is likely to be tolerated. In summary, the available evidence is currently insufficient to determine the role of this variant in disease. Therefore, it has been classified as a Variant of Uncertain Significance.

NM_004136.4(IREB2):c.562_563delinsTT (p.Gly188Leu)

Gene: IREB2 (iron responsive element binding protein 2; plus strand). Cytogenetic location: 15q25.1.
Variant type: Indel.
Coding change: c.562_563delinsTT on transcript NM_004136.4 (MANE Select); coding-DNA positions 562 to 563, GG replaced by TT.
Protein change: p.Gly188Leu; replaces glycine 188 with leucine.
Molecular consequence: missense variant. On other transcripts: 5 prime UTR variant (1).
Genome position (GRCh38, 1-based): chr15:78,466,422-78,466,423, GG replaced by TT. VCF-style: chr15-78466422-GG-TT. GRCh37 (hg19) VCF-style: chr15-78758764-GG-TT.
Other names: c.-119_-118delinsTT (NM_001320941.2); c.391_392delinsTT, p.Gly131Leu (NM_001320942.2, NM_001354994.2); c.562_563delinsTT, p.Gly188Leu (NM_001320943.2); short protein forms G131L, G188L.
Identifiers: ClinVar variation 2105428 (VCV002105428.3), dbSNP rs2542580259, ClinGen allele CA2580090039.